The following is an entry in ClinVar:

NM_024741.3(ZNF408):c.338C>T (p.Ser113Leu)

Gene: ZNF408 (zinc finger protein 408; plus strand). Cytogenetic location: 11p11.2.
Variant type: single nucleotide variant.
Coding change: c.338C>T on transcript NM_024741.3 (MANE Select); coding-DNA position 338, C replaced by T.
Protein change: p.Ser113Leu; replaces serine 113 with leucine.
Molecular consequence: missense variant.
Genome position (GRCh38, 1-based): chr11:46,702,711, C>T. VCF-style: chr11-46702711-C-T. GRCh37 (hg19) VCF-style: chr11-46724261-C-T.
Other names: c.314C>T, p.Ser105Leu (NM_001184751.2); short protein forms S105L, S113L.
Identifiers: ClinVar variation 1445428 (VCV001445428.6), dbSNP rs2134507109, ClinGen allele CA380252028.

ClinVar aggregate classification (germline): Uncertain significance (1 of 4 stars; one submission).

Allele frequency attached by ClinVar (database versions not stated): gnomAD exomes below 0.00001.
gnomAD v4.1: 1 of 1,614,060 alleles (0.000062%); highest among the groups gnomAD compares: East Asian, 0.0022%; no homozygotes.

Submission:

Labcorp Genetics (formerly Invitae), Labcorp
Classification: Uncertain significance. Last evaluated: 2025-04-28. Review status: criteria provided, single submitter. Criteria: Invitae Variant Classification Sherloc (09022015). Collection method: clinical testing. Allele origin: germline.
Comment: This sequence change replaces serine, which is neutral and polar, with leucine, which is neutral and non-polar, at codon 113 of the ZNF408 protein (p.Ser113Leu). This variant is not present in population databases (gnomAD no frequency). This variant has not been reported in the literature in individuals affected with ZNF408-related conditions. ClinVar contains an entry for this variant (Variation ID: 1445428). An algorithm developed to predict the effect of missense changes on protein structure and function outputs the following: PolyPhen-2: "Benign". The leucine amino acid residue is found in multiple mammalian species, which suggests that this missense change does not adversely affect protein function. In summary, the available evidence is currently insufficient to determine the role of this variant in disease. Therefore, it has been classified as a Variant of Uncertain Significance.